The following is an entry in ClinVar:

ClinVar aggregate classification (germline): Uncertain significance (1 of 4 stars; one submission).

gnomAD v4.1: 72 of 1,613,746 alleles (0.0045%); highest among the groups gnomAD compares: Non-Finnish European, 0.0059%; no homozygotes.

Submission:

Labcorp Genetics (formerly Invitae), Labcorp
Classification: Uncertain significance. Last evaluated: 2025-03-30. Review status: criteria provided, single submitter. Criteria: Invitae Variant Classification Sherloc (09022015). Collection method: clinical testing. Allele origin: germline.
Comment: This sequence change replaces serine, which is neutral and polar, with cysteine, which is neutral and slightly polar, at codon 442 of the TOPORS protein (p.Ser442Cys). This variant is present in population databases (rs772566291, gnomAD 0.002%). This variant has not been reported in the literature in individuals affected with TOPORS-related conditions. An algorithm developed to predict the effect of missense changes on protein structure and function (PolyPhen-2) suggests that this variant is likely to be disruptive. In summary, the available evidence is currently insufficient to determine the role of this variant in disease. Therefore, it has been classified as a Variant of Uncertain Significance.

NM_005802.5(TOPORS):c.1325C>G (p.Ser442Cys)

Gene: TOPORS (TOP1 binding arginine/serine rich protein, E3 ubiquitin ligase; minus strand). Cytogenetic location: 9p21.1.
Variant type: single nucleotide variant.
Coding change: c.1325C>G on transcript NM_005802.5 (MANE Select); coding-DNA position 1325, C replaced by G.
Protein change: p.Ser442Cys; replaces serine 442 with cysteine.
Molecular consequence: missense variant.
Genome position (GRCh38, 1-based): chr9:32,543,200, G>C on the plus strand (C>G on the coding strand, the complement: TOPORS is on the minus strand). VCF-style: chr9-32543200-G-C. GRCh37 (hg19) VCF-style: chr9-32543198-G-C.
Other names: c.1130C>G, p.Ser377Cys (NM_001195622.2); short protein forms S442C, S377C.
Identifiers: ClinVar variation 4752228 (VCV004752228.1).